The following is an entry in ClinVar:

ClinVar aggregate classification (germline): Uncertain significance (1 of 4 stars; one submission).

Conditions:
Severe combined immunodeficiency due to DNA-PKcs deficiency. Also called: IMMUNODEFICIENCY 26 WITH NEUROLOGIC ABNORMALITIES; Immunodeficiency 26 with or without neurologic abnormalities. Identifiers: Orphanet 317425, MedGen C4014833, MONDO:0014423, OMIM 615966.

gnomAD v4.1: 2 of 1,543,484 alleles (0.00013%); highest among the groups gnomAD compares: Admixed American, 0.0025%; no homozygotes.

Submission:

Laboratorio de Genetica e Diagnostico Molecular, Hospital Israelita Albert Einstein
Classification: Uncertain significance for Severe combined immunodeficiency due to DNA-PKcs deficiency. Last evaluated: 2025-12-15. Review status: criteria provided, single submitter. Criteria: ACMG Guidelines, 2015. Collection method: clinical testing. Allele origin: germline. Affected: yes.
Comment: ACMG classification criteria: PM2 supporting, BP4 supporting

NM_006904.7(PRKDC):c.8926C>G (p.Leu2976Val)

Gene: PRKDC (protein kinase, DNA-activated, catalytic subunit; minus strand). Cytogenetic location: 8q11.21.
Variant type: single nucleotide variant.
Coding change: c.8926C>G on transcript NM_006904.7 (MANE Select); coding-DNA position 8926, C replaced by G.
Protein change: p.Leu2976Val; replaces leucine 2976 with valine.
Molecular consequence: missense variant.
Genome position (GRCh38, 1-based): chr8:47,821,789, G>C on the plus strand (C>G on the coding strand, the complement: PRKDC is on the minus strand). VCF-style: chr8-47821789-G-C. GRCh37 (hg19) VCF-style: chr8-48734350-G-C.
Other names: c.8926C>G, p.Leu2976Val (NM_001081640.2); short protein forms L2976V.
Identifiers: ClinVar variation 4846914 (VCV004846914.1).